The following is an entry in ClinVar:

NM_003470.3(USP7):c.1054C>T (p.Leu352=)

Gene: USP7 (ubiquitin specific peptidase 7; minus strand). Cytogenetic location: 16p13.2.
Variant type: single nucleotide variant.
Coding change: c.1054C>T on transcript NM_003470.3 (MANE Select); coding-DNA position 1054, C replaced by T.
Protein change: p.Leu352=; no amino-acid change (leucine 352 retained).
Molecular consequence: synonymous variant. On other transcripts: non-coding transcript variant (1).
Genome position (GRCh38, 1-based): chr16:8,915,278, G>A on the plus strand (C>T on the coding strand, the complement: USP7 is on the minus strand). VCF-style: chr16-8915278-G-A. GRCh37 (hg19) VCF-style: chr16-9009135-G-A.
Other names: c.1006C>T, p.Leu336= (NM_001286457.2); c.757C>T, p.Leu253= (NM_001286458.2); c.880C>T, p.Leu294= (NM_001321858.2).
Identifiers: ClinVar variation 4197924 (VCV004197924.1).
Genomic context (GRCh38, chr16:8,915,278, plus strand): 5'-CAAAAGATCATGCCATTAGATACACACAACACTTACTATTTTTCTTTCCTTTGATACTTA[G>A]CTGGATATCATAATAATCTTCTCTTCTATCAGACCGATAGTCTACTTCTTTACACTGGAT-3'
Protein context (NP_003461.2, residues 342-362): DRREDYYDIQ[Leu352=]SIKGKKNIFE

ClinVar aggregate classification (germline): Uncertain significance (1 of 4 stars; one submission).

Conditions:
Inborn genetic diseases. Identifiers: MedGen C0950123, MeSH D030342.

Submission:

Ambry Genetics
Classification: Uncertain significance for Inborn genetic diseases. Last evaluated: 2025-08-12. Review status: criteria provided, single submitter. Criteria: Ambry Variant Classification Scheme 2023. Collection method: clinical testing. Allele origin: germline.
Comment: The c.1054C>T (p.L352L) alteration is located in exon 10 (coding exon 10) of the USP7 gene. This alteration consists of a C to T substitution at nucleotide position 1054. This nucleotide substitution does not change the amino acid at codon 352. This variant was not reported in population-based cohorts in the Genome Aggregation Database (gnomAD). This nucleotide position is highly conserved in available vertebrate species. In silico splice site analysis predicts that this alteration will result in the creation or strengthening of a novel splice donor site. Based on insufficient or conflicting evidence, the clinical significance of this alteration remains unclear.